The following is an entry in ClinVar:

NM_006516.4(SLC2A1):c.580_585del (p.Phe194_Ile195del)

Gene: SLC2A1 (solute carrier family 2 member 1; minus strand). Cytogenetic location: 1p34.2.
Variant type: Deletion.
Coding change: c.580_585del on transcript NM_006516.4 (MANE Select); coding-DNA positions 580 to 585, 6 bases deleted (TTCATC; older notation c.580_585delTTCATC).
Protein change: p.Phe194_Ile195del.
Genome position (GRCh38, 1-based): chr1:42,929,967-42,929,972, GATGAA deleted on the plus strand (TTCATC on the coding strand, the reverse complement: SLC2A1 is on the minus strand); deleting any 6 consecutive bases within chr1:42,929,967-42,929,977 gives the same sequence; the c. name uses the placement nearest the transcript's 3' end. VCF-style (leftmost placement, unchanged base first): chr1-42929966-GGATGAA-G. GRCh37 (hg19) VCF-style: chr1-43395637-GGATGAA-G.
Identifiers: ClinVar variation 3661938 (VCV003661938.2).

ClinVar aggregate classification (germline): Uncertain significance (1 of 4 stars; one submission).

Conditions:
GLUT1 deficiency syndrome 1, autosomal recessive. Identifiers: MedGen C3149117.

Submission:

Labcorp Genetics (formerly Invitae), Labcorp
Classification: Uncertain significance for GLUT1 deficiency syndrome 1, autosomal recessive. Last evaluated: 2024-08-11. Review status: criteria provided, single submitter. Criteria: Invitae Variant Classification Sherloc (09022015). Collection method: clinical testing. Allele origin: germline.
Comment: This variant, c.580_585del, results in the deletion of 2 amino acid(s) of the SLC2A1 protein (p.Phe194_Ile195del), but otherwise preserves the integrity of the reading frame. This variant is not present in population databases (gnomAD no frequency). This variant has not been reported in the literature in individuals affected with SLC2A1-related conditions. Experimental studies and prediction algorithms are not available or were not evaluated, and the functional significance of this variant is currently unknown. In summary, the available evidence is currently insufficient to determine the role of this variant in disease. Therefore, it has been classified as a Variant of Uncertain Significance.